The following is an entry in ClinVar:

NM_001365951.3(KIF1B):c.1955C>A (p.Thr652Asn)

Gene: KIF1B (kinesin family member 1B; plus strand). Cytogenetic location: 1p36.22.
Variant type: single nucleotide variant.
Coding change: c.1955C>A on transcript NM_001365951.3 (MANE Select); coding-DNA position 1955, C replaced by A.
Protein change: p.Thr652Asn; replaces threonine 652 with asparagine.
Molecular consequence: missense variant.
Genome position (GRCh38, 1-based): chr1:10,296,990, C>A. VCF-style: chr1-10296990-C-A. GRCh37 (hg19) VCF-style: chr1-10357048-C-A.
Other names: c.1955C>A, p.Thr652Asn (NM_001365952.1); c.1817C>A, p.Thr606Asn (NM_001365953.1, NM_015074.3, NM_183416.4); short protein forms T606N, T652N.
Identifiers: ClinVar variation 1447309 (VCV001447309.7), dbSNP rs142881321, ClinGen allele CA338316922.

ClinVar aggregate classification (germline): Uncertain significance. Review status: criteria provided, multiple submitters, no conflicts (2 of 4 stars). 2 submissions from 2 submitters: Uncertain significance (2). Last evaluated 2024-03-01.

Conditions:
Charcot-Marie-Tooth disease type 2. Also called: Charcot-Marie-Tooth type 2. Identifiers: Orphanet 64746, MedGen C0270914, MONDO:0018993.

Submissions (2):

Ambry Genetics
Classification: Uncertain significance. Last evaluated: 2024-03-01. Review status: criteria provided, single submitter. Criteria: Ambry Variant Classification Scheme 2023. Collection method: clinical testing. Allele origin: germline.
Comment: The p.T606N variant (also known as c.1817C>A), located in coding exon 18 of the KIF1B gene, results from a C to A substitution at nucleotide position 1817. The threonine at codon 606 is replaced by asparagine, an amino acid with similar properties. This amino acid position is conserved. In addition, the in silico prediction for this alteration is inconclusive. Based on the available evidence, the clinical significance of this alteration remains unclear.

Labcorp Genetics (formerly Invitae), Labcorp
Classification: Uncertain significance for Charcot-Marie-Tooth disease type 2. Last evaluated: 2023-05-09. Review status: criteria provided, single submitter. Criteria: Invitae Variant Classification Sherloc (09022015). Collection method: clinical testing. Allele origin: germline.
Comment: This sequence change replaces threonine, which is neutral and polar, with asparagine, which is neutral and polar, at codon 606 of the KIF1B protein (p.Thr606Asn). This variant is not present in population databases (gnomAD no frequency). This variant has not been reported in the literature in individuals affected with KIF1B-related conditions. ClinVar contains an entry for this variant (Variation ID: 1447309). Advanced modeling of protein sequence and biophysical properties (such as structural, functional, and spatial information, amino acid conservation, physicochemical variation, residue mobility, and thermodynamic stability) performed at Invitae indicates that this missense variant is not expected to disrupt KIF1B protein function. In summary, the available evidence is currently insufficient to determine the role of this variant in disease. Therefore, it has been classified as a Variant of Uncertain Significance.